The following is an entry in ClinVar:

ClinVar aggregate classification (germline): Conflicting classifications of pathogenicity. Review status: criteria provided, conflicting classifications (1 of 4 stars). 2 submissions from 2 submitters: Uncertain significance (1); Likely benign (1). Last evaluated 2026-01-07.

Conditions:
Pseudohypoparathyroidism type 1B (PHP1B). Also called: PHP IB; Pseudohypoparathyroidism Ib (PHP-Ib); Pseudohypoparathyroidism Type IB. Identifiers: Orphanet 94089, MedGen C1864100, MONDO:0011301, OMIM 603233.

Allele frequency attached by ClinVar (database versions not stated): ExAC 0.00002; gnomAD exomes 0.00004; gnomAD 0.00013; TOPMed 0.00027.
gnomAD v4.1: 83 of 1,613,670 alleles (0.0051%); highest among the groups gnomAD compares: Admixed American, 0.04%; no homozygotes.

Submissions (2):

Labcorp Genetics (formerly Invitae), Labcorp
Classification: Uncertain significance. Last evaluated: 2026-01-07. Review status: criteria provided, single submitter. Criteria: Invitae Variant Classification Sherloc (09022015). Collection method: clinical testing. Allele origin: germline.
Comment: This sequence change replaces asparagine, which is neutral and polar, with histidine, which is basic and polar, at codon 251 of the STX16 protein (p.Asn251His). This variant is present in population databases (rs754524705, gnomAD 0.009%). This variant has not been reported in the literature in individuals affected with STX16-related conditions. ClinVar contains an entry for this variant (Variation ID: 2914792). Invitae Evidence Modeling of protein sequence and biophysical properties (such as structural, functional, and spatial information, amino acid conservation, physicochemical variation, residue mobility, and thermodynamic stability) indicates that this missense variant is not expected to disrupt STX16 protein function with a negative predictive value of 80%. In summary, the available evidence is currently insufficient to determine the role of this variant in disease. Therefore, it has been classified as a Variant of Uncertain Significance.

Fulgent Genetics
Classification: Likely benign for Pseudohypoparathyroidism type 1B. Last evaluated: 2024-02-06. Review status: criteria provided, single submitter. Criteria: ACMG Guidelines, 2015. Collection method: clinical testing. Allele origin: germline.

NM_001001433.3(STX16):c.751A>C (p.Asn251His)

Genes: STX16 (syntaxin 16; plus strand), STX16-NPEPL1 (STX16-NPEPL1 readthrough (NMD candidate); plus strand). Cytogenetic location: 20q13.32.
Variant type: single nucleotide variant.
Coding change: c.751A>C on transcript NM_001001433.3 (MANE Select); coding-DNA position 751, A replaced by C.
Protein change: p.Asn251His; replaces asparagine 251 with histidine.
Molecular consequence: missense variant. On other transcripts: non-coding transcript variant (4).
Genome position (GRCh38, 1-based): chr20:58,671,256, A>C. VCF-style: chr20-58671256-A-C. GRCh37 (hg19) VCF-style: chr20-57246312-A-C.
Other names: c.739A>C, p.Asn247His (NM_001134772.3); c.700A>C, p.Asn234His (NM_001134773.3); c.592A>C, p.Asn198His (NM_001204868.2); c.688A>C, p.Asn230His (NM_003763.6); short protein forms N251H, N198H, N230H, N247H, N234H.
Identifiers: ClinVar variation 2914792 (VCV002914792.4), dbSNP rs754524705, ClinGen allele CA9925414.